The following is an entry in ClinVar:

ClinVar aggregate classification (germline): Uncertain significance (1 of 4 stars; one submission).

Allele frequency attached by ClinVar (database versions not stated): gnomAD exomes below 0.00001; gnomAD 0.00001.
gnomAD v4.1: 2 of 1,613,952 alleles (0.00012%); highest among the groups gnomAD compares: African/African-American, 0.0027%; no homozygotes.

Submission:

CeGaT Center for Human Genetics Tuebingen
Classification: Uncertain significance. Last evaluated: 2023-11-01. Review status: criteria provided, single submitter. Criteria: CeGaT Center For Human Genetics Tuebingen Variant Classification Criteria Version 2. Collection method: clinical testing. Allele origin: germline. Affected: yes. Observed: 1 variant allele.
Comment: NRIP1: PM2:Supporting, BP4

NM_003489.4(NRIP1):c.1810A>G (p.Lys604Glu)

Gene: NRIP1 (nuclear receptor interacting protein 1; minus strand). Cytogenetic location: 21q11.2.
Variant type: single nucleotide variant.
Coding change: c.1810A>G on transcript NM_003489.4 (MANE Select); coding-DNA position 1810, A replaced by G.
Protein change: p.Lys604Glu; replaces lysine 604 with glutamic acid.
Molecular consequence: missense variant.
Genome position (GRCh38, 1-based): chr21:14,966,383, T>C on the plus strand (A>G on the coding strand, the complement: NRIP1 is on the minus strand). VCF-style: chr21-14966383-T-C. GRCh37 (hg19) VCF-style: chr21-16338704-T-C.
Other names: short protein forms K604E.
Identifiers: ClinVar variation 2672887 (VCV002672887.23), dbSNP rs1429415323, ClinGen allele CA409829279.